The following is an entry in ClinVar:

NM_019023.5(PRMT7):c.320T>G (p.Val107Gly)

Gene: PRMT7 (protein arginine methyltransferase 7; plus strand). Cytogenetic location: 16q22.1.
Variant type: single nucleotide variant.
Coding change: c.320T>G on transcript NM_019023.5 (MANE Select); coding-DNA position 320, T replaced by G.
Protein change: p.Val107Gly; replaces valine 107 with glycine.
Molecular consequence: missense variant. On other transcripts: non-coding transcript variant (11), intron variant (1).
Genome position (GRCh38, 1-based): chr16:68,329,103, T>G. VCF-style: chr16-68329103-T-G. GRCh37 (hg19) VCF-style: chr16-68363006-T-G.
Other names: c.170T>G, p.Val57Gly (NM_001184824.4); c.320T>G, p.Val107Gly (NM_001290018.2, NM_001351143.3, NM_001351144.3 and 1 more transcripts); c.83T>G, p.Val28Gly (NM_001378021.1, NM_001378022.1, NM_001378023.1); c.184+4271T>G (NM_001378020.1); short protein forms V107G, V28G, V57G.
Identifiers: ClinVar variation 1310489 (VCV001310489.2), dbSNP rs2151557862, ClinGen allele CA396430390.

ClinVar aggregate classification (germline): Uncertain significance (1 of 4 stars; one submission).

gnomAD v4.1: 2 of 1,612,754 alleles (0.00012%); highest among the groups gnomAD compares: Admixed American, 0.0017%; no homozygotes.

Submission:

GeneDx
Classification: Uncertain significance. Last evaluated: 2019-11-29. Review status: criteria provided, single submitter. Criteria: GeneDx Variant Classification Process June 2021. Collection method: clinical testing. Allele origin: germline. Affected: yes.
Comment: Not observed in large population cohorts (Lek et al., 2016); In silico analysis, which includes protein predictors and evolutionary conservation, supports a deleterious effect; Has not been previously published as pathogenic or benign to our knowledge